The following is an entry in ClinVar:

NM_001206927.2(DNAH8):c.3530T>C (p.Phe1177Ser)

Gene: DNAH8 (dynein axonemal heavy chain 8; plus strand). Cytogenetic location: 6p21.2.
Variant type: single nucleotide variant.
Coding change: c.3530T>C on transcript NM_001206927.2 (MANE Select); coding-DNA position 3530, T replaced by C.
Protein change: p.Phe1177Ser; replaces phenylalanine 1177 with serine.
Molecular consequence: missense variant.
Genome position (GRCh38, 1-based): chr6:38,822,844, T>C. VCF-style: chr6-38822844-T-C. GRCh37 (hg19) VCF-style: chr6-38790620-T-C.
Other names: c.2879T>C, p.Phe960Ser (NM_001371.4); short protein forms F1177S, F960S.
Identifiers: ClinVar variation 1433767 (VCV001433767.5), dbSNP rs372754063, ClinGen allele CA3788875.

ClinVar aggregate classification (germline): Uncertain significance (1 of 4 stars; one submission).

Conditions:
Primary ciliary dyskinesia. Also called: Ciliary dyskinesia. Identifiers: Orphanet 244, MedGen C0008780, MONDO:0016575, HP:0012265.

Allele frequency attached by ClinVar (database versions not stated): gnomAD exomes 0.00001 and 0.00002; TOPMed 0.00001.
gnomAD v4.1: 5 of 1,576,838 alleles (0.00032%); highest among the groups gnomAD compares: Admixed American, 0.0079%; no homozygotes.

Submission:

Labcorp Genetics (formerly Invitae), Labcorp
Classification: Uncertain significance for Primary ciliary dyskinesia. Last evaluated: 2022-07-06. Review status: criteria provided, single submitter. Criteria: Invitae Variant Classification Sherloc (09022015). Collection method: clinical testing. Allele origin: germline.
Comment: Algorithms developed to predict the effect of missense changes on protein structure and function are either unavailable or do not agree on the potential impact of this missense change (SIFT: "Tolerated"; PolyPhen-2: "Not Available"; Align-GVGD: "Class C0"). This sequence change replaces phenylalanine, which is neutral and non-polar, with serine, which is neutral and polar, at codon 1177 of the DNAH8 protein (p.Phe1177Ser). This variant is present in population databases (rs372754063, gnomAD 0.01%). This variant has not been reported in the literature in individuals affected with DNAH8-related conditions. ClinVar contains an entry for this variant (Variation ID: 1433767). In summary, the available evidence is currently insufficient to determine the role of this variant in disease. Therefore, it has been classified as a Variant of Uncertain Significance.